The following is an entry in ClinVar:

ClinVar aggregate classification (germline): Uncertain significance (1 of 4 stars; one submission).

gnomAD v4.1: 4 of 1,568,644 alleles (0.00025%); highest among the groups gnomAD compares: African/African-American, 0.0013%; no homozygotes.

Submission:

CeGaT Center for Human Genetics Tuebingen
Classification: Uncertain significance. Last evaluated: 2025-06-01. Review status: criteria provided, single submitter. Criteria: CeGaT Center For Human Genetics Tuebingen Variant Classification Criteria Version 2. Collection method: clinical testing. Allele origin: germline. Affected: yes. Observed: 1 variant allele.
Comment: SOX10: PM2:Supporting, PP2, PP3

NM_006941.4(SOX10):c.439G>A (p.Glu147Lys)

Genes: POLR2F (RNA polymerase II, I and III subunit F; plus strand), SOX10 (SRY-box transcription factor 10; minus strand). Cytogenetic location: 22q13.1.
Variant type: single nucleotide variant.
Coding change: c.439G>A on transcript NM_006941.4 (MANE Select); coding-DNA position 439, G replaced by A.
Protein change: p.Glu147Lys; replaces glutamic acid 147 with lysine.
Molecular consequence: missense variant. On other transcripts: intron variant (3).
Genome position (GRCh38, 1-based): chr22:37,978,125, C>T on the plus strand (G>A on the coding strand, the complement: SOX10 is on the minus strand). VCF-style: chr22-37978125-C-T. GRCh37 (hg19) VCF-style: chr22-38374132-C-T.
Other names: c.*38+5815C>T (NM_001363825.1); c.294-8029C>T (NM_001301130.2); c.293+10955C>T (NM_001301131.2); short protein forms E147K.
Identifiers: ClinVar variation 3905247 (VCV003905247.10).